The following is an entry in ClinVar:

ClinVar aggregate classification (germline): Benign (1 of 4 stars; one submission).

Allele frequency attached by ClinVar (database versions not stated): gnomAD 0.04413 and 0.04705; TOPMed 0.05109; 1000 Genomes Project 0.05411; 1000 Genomes Project 30x 0.05700.

Submission:

GeneDx
Classification: Benign. Last evaluated: 2018-06-19. Review status: criteria provided, single submitter. Criteria: GeneDx Variant Classification (06012015). Collection method: clinical testing. Allele origin: germline. Affected: yes.
Comment: This variant is considered likely benign or benign based on one or more of the following criteria: it is a conservative change, it occurs at a poorly conserved position in the protein, it is predicted to be benign by multiple in silico algorithms, and/or has population frequency not consistent with disease.

NM_000540.3(RYR1):c.4294-320T>G

Gene: RYR1 (ryanodine receptor 1; plus strand). Cytogenetic location: 19q13.2.
Variant type: single nucleotide variant.
Coding change: c.4294-320T>G on transcript NM_000540.3 (MANE Select); 320 bases into the intron before coding-DNA position 4294, T replaced by G.
Molecular consequence: intron variant.
Genome position (GRCh38, 1-based): chr19:38,477,390, T>G. VCF-style: chr19-38477390-T-G. GRCh37 (hg19) VCF-style: chr19-38968030-T-G.
Other names: c.4294-320T>G (NM_001042723.2).
Identifiers: ClinVar variation 680990 (VCV000680990.1), dbSNP rs111835837, ClinGen allele CA308084188.
Genomic context (GRCh38, chr19:38,477,390, plus strand): 5'-ACAGAGTTTCACCATATTGGTCAGGCTGGTCTCAAACTCCTGACCTCAGGTGATCCACCT[T>G]CCTCAGCTTCCCAAAGTGCTGGGATTACAGGCGTGAGCCACCATGCCTGGCCTGCAATTA-3'